The following is an entry in ClinVar:

ClinVar aggregate classification (germline): Uncertain significance. Review status: criteria provided, multiple submitters, no conflicts (2 of 4 stars). 3 submissions from 3 submitters: Uncertain significance (3). Last evaluated 2025-10-01.

Conditions:
Hereditary nonpolyposis colorectal neoplasms. Identifiers: MedGen C0009405, MeSH D003123.
Hereditary cancer-predisposing syndrome. Also called: Neoplastic Syndromes, Hereditary; Tumor predisposition; Hereditary Cancer Syndrome; Hereditary neoplastic syndrome. Identifiers: Orphanet 140162, MedGen C0027672, MeSH D009386, MONDO:0015356.

Allele frequency attached by ClinVar (database versions not stated): gnomAD 0.00001; TOPMed 0.00001.
gnomAD v4.1: 1 of 1,613,986 alleles (0.000062%); highest among the groups gnomAD compares: Non-Finnish European, 0.000085%; no homozygotes.

Submissions (3):

Labcorp Genetics (formerly Invitae), Labcorp
Classification: Uncertain significance for Hereditary nonpolyposis colorectal neoplasms. Last evaluated: 2025-10-01. Review status: criteria provided, single submitter. Criteria: Invitae Variant Classification Sherloc (09022015). Collection method: clinical testing. Allele origin: germline.
Comment: This sequence change replaces isoleucine, which is neutral and non-polar, with valine, which is neutral and non-polar, at codon 193 of the PMS2 protein (p.Ile193Val). This variant is not present in population databases (gnomAD no frequency). This variant has not been reported in the literature in individuals affected with PMS2-related conditions. ClinVar contains an entry for this variant (Variation ID: 922059). Invitae Evidence Modeling incorporating data from in vitro experimental studies (internal data) indicates that this missense variant is not expected to disrupt PMS2 function with a negative predictive value of 95%. In summary, the available evidence is currently insufficient to determine the role of this variant in disease. Therefore, it has been classified as a Variant of Uncertain Significance.

Ambry Genetics
Classification: Uncertain significance for Hereditary cancer-predisposing syndrome. Last evaluated: 2024-08-27. Review status: criteria provided, single submitter. Criteria: Ambry Variant Classification Scheme 2023. Collection method: clinical testing. Allele origin: germline.
Comment: The p.I193V variant (also known as c.577A>G), located in coding exon 6 of the PMS2 gene, results from an A to G substitution at nucleotide position 577. The isoleucine at codon 193 is replaced by valine, an amino acid with highly similar properties. This amino acid position is highly conserved in available vertebrate species. In addition, this alteration is predicted to be tolerated by in silico analysis. Based on the available evidence, the clinical significance of this variant remains unclear.

Color Diagnostics, LLC DBA Color Health
Classification: Uncertain significance for Hereditary cancer-predisposing syndrome. Last evaluated: 2023-12-04. Review status: criteria provided, single submitter. Criteria: ACMG Guidelines, 2015. Collection method: clinical testing. Allele origin: germline.
Comment: This missense variant replaces isoleucine with valine at codon 193 of the PMS2 protein. Computational prediction suggests that this variant may not impact protein structure and function (internally defined REVEL score threshold <= 0.5, PMID: 27666373). To our knowledge, functional studies have not been reported for this variant. This variant has not been reported in individuals affected with PMS2-related disorders in the literature. This variant has not been identified in the general population by the Genome Aggregation Database (gnomAD). The available evidence is insufficient to determine the role of this variant in disease conclusively. Therefore, this variant is classified as a Variant of Uncertain Significance.

NM_000535.7(PMS2):c.577A>G (p.Ile193Val)

Gene: PMS2 (PMS1 homolog 2, mismatch repair system component; minus strand). Cytogenetic location: 7p22.1.
Variant type: single nucleotide variant.
Coding change: c.577A>G on transcript NM_000535.7 (MANE Select); coding-DNA position 577, A replaced by G.
Protein change: p.Ile193Val; replaces isoleucine 193 with valine.
Molecular consequence: missense variant. On other transcripts: non-coding transcript variant (1), intron variant (3).
Genome position (GRCh38, 1-based): chr7:5,999,236, T>C on the plus strand (A>G on the coding strand, the complement: PMS2 is on the minus strand). VCF-style: chr7-5999236-T-C. GRCh37 (hg19) VCF-style: chr7-6038867-T-C.
Other names: c.172A>G, p.Ile58Val (NM_001322003.2, NM_001322004.2, NM_001322005.2 and 2 more transcripts); c.577A>G, p.Ile193Val (NM_001322006.2, NM_001322014.2); c.259A>G, p.Ile87Val (NM_001322007.2, NM_001322008.2); c.268A>G, p.Ile90Val (NM_001322015.2); c.133-1813A>G (NM_001322013.2); c.-347-10A>G (NM_001322012.2, NM_001322011.2); c.577A>G (NM_000535.5); short protein forms I90V, I193V, I58V, I87V.
Identifiers: ClinVar variation 922059 (VCV000922059.14), dbSNP rs1784819145, ClinGen allele CA366744054.